The following is an entry in ClinVar:

ClinVar aggregate classification (germline): Uncertain significance (1 of 4 stars; one submission).

Allele frequency attached by ClinVar (database versions not stated): gnomAD 0.00001; ExAC 0.00002; gnomAD exomes 0.00003.

Submission:

Labcorp Genetics (formerly Invitae), Labcorp
Classification: Uncertain significance. Last evaluated: 2025-09-28. Review status: criteria provided, single submitter. Criteria: Invitae Variant Classification Sherloc (09022015). Collection method: clinical testing. Allele origin: germline.
Comment: This sequence change falls in intron 19 of the SRCAP gene. It does not directly change the encoded amino acid sequence of the SRCAP protein. It affects a nucleotide within the consensus splice site. This variant is present in population databases (rs777239374, gnomAD 0.02%). This variant has not been reported in the literature in individuals affected with SRCAP-related conditions. ClinVar contains an entry for this variant (Variation ID: 1515930). Variants that disrupt the consensus splice site are a relatively common cause of aberrant splicing (PMID: 17576681, 9536098). Algorithms developed to predict the effect of sequence changes on RNA splicing suggest that this variant is not likely to affect RNA splicing. In summary, the available evidence is currently insufficient to determine the role of this variant in disease. Therefore, it has been classified as a Variant of Uncertain Significance.

Literature cited by the submitters: PubMed 17576681; PubMed 9536098.

NM_006662.3(SRCAP):c.2987+4C>T

Gene: SRCAP (Snf2 related CREBBP activator protein; plus strand). Cytogenetic location: 16p11.2.
Variant type: single nucleotide variant.
Coding change: c.2987+4C>T on transcript NM_006662.3 (MANE Select); 4 bases into the intron after coding-DNA position 2987, C replaced by T.
Molecular consequence: intron variant.
Genome position (GRCh38, 1-based): chr16:30,720,335, C>T. VCF-style: chr16-30720335-C-T. GRCh37 (hg19) VCF-style: chr16-30731656-C-T.
Identifiers: ClinVar variation 1515930 (VCV001515930.6), dbSNP rs777239374, ClinGen allele CA8011368.